The following is an entry in ClinVar:

NM_001204.7(BMPR2):c.2774C>G (p.Ala925Gly)

Gene: BMPR2 (bone morphogenetic protein receptor type 2; plus strand). Cytogenetic location: 2q33.2.
Variant type: single nucleotide variant.
Coding change: c.2774C>G on transcript NM_001204.7 (MANE Select); coding-DNA position 2774, C replaced by G.
Protein change: p.Ala925Gly; replaces alanine 925 with glycine.
Molecular consequence: missense variant.
Genome position (GRCh38, 1-based): chr2:202,556,439, C>G. VCF-style: chr2-202556439-C-G. GRCh37 (hg19) VCF-style: chr2-203421162-C-G.
Other names: short protein forms A925G.
Identifiers: ClinVar variation 3824871 (VCV003824871.1).
Genomic context (GRCh38, chr2:202,556,439, plus strand): 5'-ACAACAGCAATCCATGTTCAGAACAAGATGTTCTTGCACAGGGTGTTCCAAGCACAGCAG[C>G]AGATCCTGGGCCATCAAAGCCCAGAAGAGCACAGAGGCCTAATTCTCTGGATCTTTCAGC-3'
Protein context (NP_001195.2, residues 915-935): VLAQGVPSTA[Ala925Gly]DPGPSKPRRA

ClinVar aggregate classification (germline): Uncertain significance (1 of 4 stars; one submission).

Conditions:
Inborn genetic diseases. Identifiers: MedGen C0950123, MeSH D030342.

Submission:

Ambry Genetics
Classification: Uncertain significance for Inborn genetic diseases. Last evaluated: 2025-02-03. Review status: criteria provided, single submitter. Criteria: Ambry Variant Classification Scheme 2023. Collection method: clinical testing. Allele origin: germline.
Comment: The p.A925G variant (also known as c.2774C>G), located in coding exon 12 of the BMPR2 gene, results from a C to G substitution at nucleotide position 2774. The alanine at codon 925 is replaced by glycine, an amino acid with similar properties. This amino acid position is conserved. In addition, this alteration is predicted to be tolerated by in silico analysis. Based on the available evidence, the clinical significance of this variant remains unclear.